The following is an entry in ClinVar:

ClinVar aggregate classification (germline): Uncertain significance (1 of 4 stars; one submission).

Conditions:
Inborn genetic diseases. Identifiers: MedGen C0950123, MeSH D030342.

Submission:

Ambry Genetics
Classification: Uncertain significance for Inborn genetic diseases. Last evaluated: 2026-05-14. Review status: criteria provided, single submitter. Criteria: Ambry Variant Classification Scheme 2023. Collection method: clinical testing. Allele origin: germline.
Comment: The p.G69C variant (also known as c.205G>T), located in coding exon 3 of the RUNX1 gene, results from a G to T substitution at nucleotide position 205. The glycine at codon 69 is replaced by cysteine, an amino acid with highly dissimilar properties. This amino acid position is conserved. In addition, the in silico prediction for this alteration is inconclusive. Based on the available evidence, the clinical significance of this variant remains unclear.

NM_001754.5(RUNX1):c.205G>T (p.Gly69Cys)

Gene: RUNX1 (RUNX family transcription factor 1; minus strand). Cytogenetic location: 21q22.12.
Variant type: single nucleotide variant.
Coding change: c.205G>T on transcript NM_001754.5 (MANE Select); coding-DNA position 205, G replaced by T.
Protein change: p.Gly69Cys; replaces glycine 69 with cysteine.
Molecular consequence: missense variant.
Genome position (GRCh38, 1-based): chr21:34,886,989, C>A on the plus strand (G>T on the coding strand, the complement: RUNX1 is on the minus strand). VCF-style: chr21-34886989-C-A. GRCh37 (hg19) VCF-style: chr21-36259286-C-A.
Other names: c.124G>T, p.Gly42Cys (NM_001001890.3, NM_001122607.2); short protein forms G42C, G69C.
Identifiers: ClinVar variation 4863650 (VCV004863650.1).